The following is an entry in ClinVar:

NM_001364905.1(LRBA):c.6979C>T (p.Arg2327Ter)

Gene: LRBA (LPS responsive beige-like anchor protein; minus strand). Cytogenetic location: 4q31.3.
Variant type: single nucleotide variant.
Coding change: c.6979C>T on transcript NM_001364905.1 (MANE Select); coding-DNA position 6979, C replaced by T.
Protein change: p.Arg2327Ter; replaces arginine 2327 with a stop codon.
Molecular consequence: nonsense.
Genome position (GRCh38, 1-based): chr4:150,435,651, G>A on the plus strand (C>T on the coding strand, the complement: LRBA is on the minus strand). VCF-style: chr4-150435651-G-A. GRCh37 (hg19) VCF-style: chr4-151356803-G-A.
Other names: c.6979C>T, p.Arg2327Ter (NM_001199282.3, NM_001367550.1); c.7012C>T, p.Arg2338Ter (NM_006726.5); short protein forms R2327*, R2338*.
Identifiers: ClinVar variation 2011098 (VCV002011098.4), dbSNP rs773780828, ClinGen allele CA108348879.

ClinVar aggregate classification (germline): Pathogenic (1 of 4 stars; one submission).

Conditions:
Combined immunodeficiency due to LRBA deficiency. Also called: Common variable immunodeficiency 8, with autoimmunity. Identifiers: Orphanet 445018, MedGen C3553512, MONDO:0013863, OMIM 614700.

gnomAD v4.1: 2 of 1,612,142 alleles (0.00012%); highest among the groups gnomAD compares: Non-Finnish European, 0.00017%; no homozygotes.

Submission:

Labcorp Genetics (formerly Invitae), Labcorp
Classification: Pathogenic for Combined immunodeficiency due to LRBA deficiency. Last evaluated: 2022-07-07. Review status: criteria provided, single submitter. Criteria: Invitae Variant Classification Sherloc (09022015). Collection method: clinical testing. Allele origin: germline.
Comment: This sequence change creates a premature translational stop signal (p.Arg2338*) in the LRBA gene. It is expected to result in an absent or disrupted protein product. Loss-of-function variants in LRBA are known to be pathogenic (PMID: 26206937, 26768763). This variant is present in population databases (rs773780828, gnomAD 0.002%). This variant has not been reported in the literature in individuals affected with LRBA-related conditions. For these reasons, this variant has been classified as Pathogenic.

Literature cited by the submitters: PubMed 26206937; PubMed 26768763.